The following is an entry in ClinVar:

NM_020435.4(GJC2):c.530C>T (p.Ala177Val)

Gene: GJC2 (gap junction protein gamma 2; plus strand). Cytogenetic location: 1q42.13.
Variant type: single nucleotide variant.
Coding change: c.530C>T on transcript NM_020435.4 (MANE Select); coding-DNA position 530, C replaced by T.
Protein change: p.Ala177Val; replaces alanine 177 with valine.
Molecular consequence: missense variant.
Genome position (GRCh38, 1-based): chr1:228,158,288, C>T. VCF-style: chr1-228158288-C-T. GRCh37 (hg19) VCF-style: chr1-228345989-C-T.
Other names: c.530C>T (NM_020435.3); short protein forms A177V.
Identifiers: ClinVar variation 2164739 (VCV002164739.5), dbSNP rs766729380, ClinGen allele CA1430869.
Genomic context (GRCh38, chr1:228,158,288, plus strand): 5'-AGGAGACGGGGGCAGCCGAGGGCGCCGGCGAGGAAGCGGAGGAGGCAGGCGCGGAGGAGG[C>T]GTGCACTAAGGCGGTCGGCGCTGACGGCAAGGCGGCAGGGACCCCGGGCCCGACCGGGCA-3'
Protein context (NP_065168.2, residues 167-187): EEAEEAGAEE[Ala177Val]CTKAVGADGK

ClinVar aggregate classification (germline): Uncertain significance. Review status: criteria provided, multiple submitters, no conflicts (2 of 4 stars). 2 submissions from 2 submitters: Uncertain significance (2). Last evaluated 2022-09-16.

Conditions:
Spastic paraplegia. Identifiers: MedGen C0037772, HP:0001258.
Inborn genetic diseases. Identifiers: MedGen C0950123, MeSH D030342.

Allele frequency attached by ClinVar (database versions not stated): gnomAD 0.00001; gnomAD exomes 0.00001; TOPMed 0.00001; ExAC 0.00011.
gnomAD v4.1: 12 of 1,534,208 alleles (0.00078%); highest among the groups gnomAD compares: South Asian, 0.0024%; no homozygotes.

Submissions (2):

Labcorp Genetics (formerly Invitae), Labcorp
Classification: Uncertain significance for Spastic paraplegia. Last evaluated: 2022-09-16. Review status: criteria provided, single submitter. Criteria: Invitae Variant Classification Sherloc (09022015). Collection method: clinical testing. Allele origin: germline.
Comment: In summary, the available evidence is currently insufficient to determine the role of this variant in disease. Therefore, it has been classified as a Variant of Uncertain Significance. Algorithms developed to predict the effect of missense changes on protein structure and function output the following: SIFT: "Tolerated"; PolyPhen-2: "Benign"; Align-GVGD: "Class C0". The valine amino acid residue is found in multiple mammalian species, which suggests that this missense change does not adversely affect protein function. This variant has not been reported in the literature in individuals affected with GJC2-related conditions. The frequency data for this variant in the population databases is considered unreliable, as metrics indicate poor data quality at this position in the gnomAD database. This sequence change replaces alanine, which is neutral and non-polar, with valine, which is neutral and non-polar, at codon 177 of the GJC2 protein (p.Ala177Val).

Ambry Genetics
Classification: Uncertain significance for Inborn genetic diseases. Last evaluated: 2022-05-27. Review status: criteria provided, single submitter. Criteria: Ambry Variant Classification Scheme 2023. Collection method: clinical testing. Allele origin: germline.